The following is an entry in ClinVar:

NM_004984.4(KIF5A):c.1409T>C (p.Leu470Pro)

Gene: KIF5A (kinesin family member 5A; plus strand). Cytogenetic location: 12q13.3.
Variant type: single nucleotide variant.
Coding change: c.1409T>C on transcript NM_004984.4 (MANE Select); coding-DNA position 1409, T replaced by C.
Protein change: p.Leu470Pro; replaces leucine 470 with proline.
Molecular consequence: missense variant.
Genome position (GRCh38, 1-based): chr12:57,572,107, T>C. VCF-style: chr12-57572107-T-C. GRCh37 (hg19) VCF-style: chr12-57965890-T-C.
Other names: c.1142T>C, p.Leu381Pro (NM_001354705.2); short protein forms L470P, L381P.
Identifiers: ClinVar variation 2072899 (VCV002072899.4), dbSNP rs2540504016, ClinGen allele CA385506184.

ClinVar aggregate classification (germline): Uncertain significance (1 of 4 stars; one submission).

Conditions:
Spastic paraplegia. Identifiers: MedGen C0037772, HP:0001258.

Submission:

Labcorp Genetics (formerly Invitae), Labcorp
Classification: Uncertain significance for Spastic paraplegia. Last evaluated: 2022-03-18. Review status: criteria provided, single submitter. Criteria: Invitae Variant Classification Sherloc (09022015). Collection method: clinical testing. Allele origin: germline.
Comment: In summary, the available evidence is currently insufficient to determine the role of this variant in disease. Therefore, it has been classified as a Variant of Uncertain Significance. Advanced modeling of protein sequence and biophysical properties (such as structural, functional, and spatial information, amino acid conservation, physicochemical variation, residue mobility, and thermodynamic stability) performed at Invitae indicates that this missense variant is expected to disrupt KIF5A protein function. This variant has not been reported in the literature in individuals affected with KIF5A-related conditions. This variant is not present in population databases (gnomAD no frequency). This sequence change replaces leucine, which is neutral and non-polar, with proline, which is neutral and non-polar, at codon 470 of the KIF5A protein (p.Leu470Pro).